The following is an entry in ClinVar:

ClinVar aggregate classification (germline): Uncertain significance (1 of 4 stars; one submission).

Allele frequency attached by ClinVar (database versions not stated): gnomAD exomes below 0.00001.
gnomAD v4.1: 1 of 1,611,252 alleles (0.000062%); highest among the groups gnomAD compares: Non-Finnish European, 0.000085%; no homozygotes.

Submission:

CeGaT Center for Human Genetics Tuebingen
Classification: Uncertain significance. Last evaluated: 2022-07-01. Review status: criteria provided, single submitter. Criteria: CeGaT Center For Human Genetics Tuebingen Variant Classification Criteria Version 2. Collection method: clinical testing. Allele origin: germline. Affected: yes. Observed: 1 variant allele.
Comment: PLCB1: PM2

NM_015192.4(PLCB1):c.1330T>C (p.Tyr444His)

Gene: PLCB1 (phospholipase C beta 1; plus strand). Cytogenetic location: 20p12.3.
Variant type: single nucleotide variant.
Coding change: c.1330T>C on transcript NM_015192.4 (MANE Select); coding-DNA position 1330, T replaced by C.
Protein change: p.Tyr444His; replaces tyrosine 444 with histidine.
Molecular consequence: missense variant.
Genome position (GRCh38, 1-based): chr20:8,716,343, T>C. VCF-style: chr20-8716343-T-C. GRCh37 (hg19) VCF-style: chr20-8696990-T-C.
Other names: c.1330T>C, p.Tyr444His (NM_182734.3); short protein forms Y444H.
Identifiers: ClinVar variation 1711536 (VCV001711536.30), dbSNP rs1979309267, ClinGen allele CA408200401.